The following is an entry in ClinVar:

ClinVar aggregate classification (germline): Uncertain significance (1 of 4 stars; one submission).

Allele frequency attached by ClinVar (database versions not stated): ExAC 0.00001; gnomAD exomes 0.00001.
gnomAD v4.1: 1 of 1,613,746 alleles (0.000062%); no homozygotes.

Submission:

Laboratory for Molecular Medicine, Mass General Brigham Personalized Medicine
Classification: Uncertain significance. Last evaluated: 2015-05-16. Review status: criteria provided, single submitter. Criteria: LMM Criteria. Collection method: clinical testing. Allele origin: germline. Observed: 1 variant allele.
Comment: The p.Leu29407Phe variant in TTN has not been previously reported in individuals with cardiomyopathy, but has been identified in 1/66674 European chromosomes by the Exome Aggregation Consortium (ExAC). Comput ational prediction tools and conservation analysis do not provide strong support for or against an impact to the protein. In summary, the clinical significance of the p.Leu29407Phe variant is uncertain.

NM_001267550.2(TTN):c.95923C>T (p.Leu31975Phe)

Genes: TTN (titin; minus strand), TTN-AS1 (TTN antisense RNA 1; plus strand). Cytogenetic location: 2q31.2.
Variant type: single nucleotide variant.
Coding change: c.95923C>T on transcript NM_001267550.2 (MANE Select); coding-DNA position 95923, C replaced by T.
Protein change: p.Leu31975Phe; replaces leucine 31975 with phenylalanine.
Molecular consequence: missense variant.
Genome position (GRCh38, 1-based): chr2:178,544,306, G>A on the plus strand (C>T on the coding strand, the complement: TTN is on the minus strand). VCF-style: chr2-178544306-G-A. GRCh37 (hg19) VCF-style: chr2-179409033-G-A.
Other names: c.91000C>T, p.Leu30334Phe (NM_001256850.1); c.68728C>T, p.Leu22910Phe (NM_003319.4); c.69103C>T, p.Leu23035Phe (NM_133432.3); c.69304C>T, p.Leu23102Phe (NM_133437.4); c.88219C>T, p.Leu29407Phe (NM_133378.4); short protein forms L29407F, L31975F, L23102F, L22910F, L23035F, L30334F.
Identifiers: ClinVar variation 229548 (VCV000229548.5), dbSNP rs757718784, ClinGen allele CA1986853.
Genomic context (GRCh38, chr2:178,544,306, plus strand): 5'-CGCTCATACCCTTCACGTTCACGGCAGCAACTCTGAAGGAATATTTCTGGCCCATTTTAA[G>A]GTCTGGCACAGTGAATTCAGTATTTCTTATTGTGGCATTGGTATGCACTCGGTACCACTG-3'
Protein context (NP_001254479.2, residues 31965-31985): IRNTEFTVPD[Leu31975Phe]KMGQKYSFRV